The following is an entry in ClinVar:

NM_058216.3(RAD51C):c.837+14A>G

Gene: RAD51C (RAD51 paralog C; plus strand). Cytogenetic location: 17q22.
Variant type: single nucleotide variant.
Coding change: c.837+14A>G on transcript NM_058216.3 (MANE Select); 14 bases into the intron after coding-DNA position 837, A replaced by G.
Molecular consequence: intron variant.
Genome position (GRCh38, 1-based): chr17:58,710,004, A>G. VCF-style: chr17-58710004-A-G. GRCh37 (hg19) VCF-style: chr17-56787365-A-G.
Other names: c.837+14A>G (LRG_314t1).
Identifiers: ClinVar variation 372094 (VCV000372094.14), dbSNP rs1057517644, ClinGen allele CA16042172.
Genomic context (GRCh38, chr17:58,710,004, plus strand): 5'-GCCTAGCCCAGCAAATGATCAGCCTTGCAAATAATCACAGATTAGCTGTAAGTATTAACT[A>G]GTGAAGAGAGTTTTATAACAAAGTCAAGACTGTATAAAATGTTAATGTCTAGAAATGTCA-3'

ClinVar aggregate classification (germline): Likely benign. Review status: criteria provided, multiple submitters, no conflicts (2 of 4 stars). 6 submissions from 5 submitters: Likely benign (4). 2 of the submissions do not count toward it. Last evaluated 2026-02-03.

Conditions:
Fanconi anemia complementation group O. Also called: RAD51C-Related Fanconi Anemia. Identifiers: Orphanet 84, MedGen C3150653, MONDO:0013248, OMIM 613390.
Hereditary cancer-predisposing syndrome. Also called: Tumor predisposition; Neoplastic Syndromes, Hereditary; Hereditary Cancer Syndrome; Hereditary neoplastic syndrome. Identifiers: Orphanet 140162, MedGen C0027672, MeSH D009386, MONDO:0015356.
Breast-ovarian cancer, familial, susceptibility to, 3. Also called: RAD51C-Related Breast/Ovarian Cancer. Identifiers: Orphanet 145, MedGen C3150659, MONDO:0013253, OMIM 613399.

Allele frequency attached by ClinVar (database versions not stated): gnomAD 0.00002; TOPMed 0.00002; gnomAD exomes 0.00003.
gnomAD v4.1: 43 of 1,605,660 alleles (0.0027%); highest among the groups gnomAD compares: Non-Finnish European, 0.0036%; no homozygotes.

Submissions (6):

Labcorp Genetics (formerly Invitae), Labcorp
Classification: Likely benign for Fanconi anemia complementation group O. Last evaluated: 2026-02-03. Review status: criteria provided, single submitter. Criteria: Invitae Variant Classification Sherloc (09022015). Collection method: clinical testing. Allele origin: germline.

Blueprint Genetics
Classification: Likely benign. Last evaluated: 2022-01-24. Review status: criteria provided, single submitter. Criteria: ACMG Guidelines, 2015. Collection method: clinical testing. Allele origin: germline.

Color Diagnostics, LLC DBA Color Health
Classification: Likely benign for Hereditary cancer-predisposing syndrome. Last evaluated: 2017-04-13. Review status: criteria provided, single submitter. Criteria: ACMG Guidelines, 2015. Collection method: clinical testing. Allele origin: germline.

GeneDx
Classification: Likely benign. Last evaluated: 2017-03-23. Review status: criteria provided, single submitter. Criteria: GeneDx Variant Classification (06012015). Collection method: clinical testing. Allele origin: germline. Affected: yes.
Comment: This variant is considered likely benign or benign based on one or more of the following criteria: it is a conservative change, it occurs at a poorly conserved position in the protein, it is predicted to be benign by multiple in silico algorithms, and/or has population frequency not consistent with disease.

Counsyl
Classification: Likely benign for Fanconi anemia complementation group O. Last evaluated: 2016-09-28. Review status: no assertion criteria provided. Collection method: clinical testing. Allele origin: unknown. Not counted in ClinVar's aggregate classification.

Counsyl
Classification: Likely benign for Breast-ovarian cancer, familial, susceptibility to, 3. Last evaluated: 2016-09-28. Review status: no assertion criteria provided. Collection method: clinical testing. Allele origin: unknown. Not counted in ClinVar's aggregate classification.